The following is an entry in ClinVar:

ClinVar aggregate classification (germline): Uncertain significance (1 of 4 stars; one submission).

Conditions:
Fanconi-Bickel syndrome (FBS). Also called: Glycogen storage disease due to GLUT2 deficiency; FANCONI SYNDROME WITH INTESTINAL MALABSORPTION AND GALACTOSE INTOLERANCE; PSEUDO-PHLORIZIN DIABETES; HEPATIC GLYCOGENOSIS WITH AMINO ACIDURIA AND GLUCOSURIA; HEPATIC GLYCOGENOSIS WITH FANCONI NEPHROPATHY; HEPATORENAL GLYCOGENOSIS WITH RENAL FANCONI SYNDROME. Identifiers: Orphanet 2088, MedGen C3495427, MONDO:0009216, OMIM 227810.

Submission:

Neuberg Centre For Genomic Medicine, NCGM
Classification: Uncertain significance for Fanconi-Bickel syndrome. Last evaluated: 2024-02-01. Review status: criteria provided, single submitter. Criteria: ACMG Guidelines, 2015. Collection method: clinical testing. Allele origin: germline. Inheritance: Autosomal recessive inheritance.
Comment: The missense c.32T>A (p.Val11Asp) variant in SLC2A2 gene has not been previously reported as pathogenic variant nor as a benign variant, to our knowledge.

NM_000340.2(SLC2A2):c.32T>A (p.Val11Asp)

Gene: SLC2A2 (solute carrier family 2 member 2; minus strand). Cytogenetic location: 3q26.2.
Variant type: single nucleotide variant.
Coding change: c.32T>A on transcript NM_000340.2 (MANE Select); coding-DNA position 32, T replaced by A.
Protein change: p.Val11Asp; replaces valine 11 with aspartic acid.
Molecular consequence: missense variant. On other transcripts: 5 prime UTR variant (2).
Genome position (GRCh38, 1-based): chr3:171,018,607, A>T on the plus strand (T>A on the coding strand, the complement: SLC2A2 is on the minus strand). VCF-style: chr3-171018607-A-T. GRCh37 (hg19) VCF-style: chr3-170736396-A-T.
Other names: c.-63T>A (NM_001278658.2); c.-363T>A (NM_001278659.2); short protein forms V11D.
Identifiers: ClinVar variation 3897988 (VCV003897988.1).